The following is an entry in ClinVar:

NC_000007.13:g.(?_33185865)_(33644838_?)dup

Gene: BBS9 (Bardet-Biedl syndrome 9; plus strand). Cytogenetic location: 7p14.3.
Variant type: Duplication.
Identifiers: ClinVar variation 2427654 (VCV002427654.4).

ClinVar aggregate classification (germline): Uncertain significance (1 of 4 stars; one submission).

Conditions:
Bardet-Biedl syndrome (BBS). Identifiers: Orphanet 110, MedGen C0752166, MONDO:0015229.

Submission:

Labcorp Genetics (formerly Invitae), Labcorp
Classification: Uncertain significance for Bardet-Biedl syndrome. Last evaluated: 2022-11-01. Review status: criteria provided, single submitter. Criteria: Invitae Variant Classification Sherloc (09022015). Collection method: clinical testing. Allele origin: germline.
Comment: In summary, the available evidence is currently insufficient to determine the role of this variant in disease. Therefore, it has been classified as a Variant of Uncertain Significance. This variant has not been reported in the literature in individuals affected with BBS9-related conditions. A copy number gain of the genomic region encompassing the full coding sequence of the BBS9 gene has been identified. The boundaries of this event are unknown as they extend beyond the assayed region for this gene and therefore may encompass additional genes. As the precise location of this event is unknown, it may be in tandem or it may be located elsewhere in the genome.